The following is an entry in ClinVar:

ClinVar aggregate classification (germline): Uncertain significance (1 of 4 stars; one submission).

Submission:

Labcorp Genetics (formerly Invitae), Labcorp
Classification: Uncertain significance. Last evaluated: 2025-08-12. Review status: criteria provided, single submitter. Criteria: Invitae Variant Classification Sherloc (09022015). Collection method: clinical testing. Allele origin: germline.
Comment: This sequence change replaces glutamic acid, which is acidic and polar, with lysine, which is basic and polar, at codon 137 of the CFAP298 protein (p.Glu137Lys). This variant is not present in population databases (gnomAD no frequency). This variant has not been reported in the literature in individuals affected with CFAP298-related conditions. An algorithm developed to predict the effect of missense changes on protein structure and function (PolyPhen-2) suggests that this variant is likely to be tolerated. In summary, the available evidence is currently insufficient to determine the role of this variant in disease. Therefore, it has been classified as a Variant of Uncertain Significance.

NM_021254.4(CFAP298):c.409G>A (p.Glu137Lys)

Genes: CFAP298 (cilia and flagella associated protein 298; minus strand), CFAP298-TCP10L (CFAP298-TCP10L readthrough; minus strand). Cytogenetic location: 21q22.11.
Variant type: single nucleotide variant.
Coding change: c.409G>A on transcript NM_021254.4 (MANE Select); coding-DNA position 409, G replaced by A.
Protein change: p.Glu137Lys; replaces glutamic acid 137 with lysine.
Molecular consequence: missense variant. On other transcripts: non-coding transcript variant (2).
Genome position (GRCh38, 1-based): chr21:32,604,250, C>T on the plus strand (G>A on the coding strand, the complement: CFAP298 is on the minus strand). VCF-style: chr21-32604250-C-T. GRCh37 (hg19) VCF-style: chr21-33976560-C-T.
Other names: c.409G>A, p.Glu137Lys (NM_001350338.2, NM_001350335.2, NM_001350336.2 and 1 more transcripts); c.112G>A, p.Glu38Lys (NM_001350334.2); short protein forms E137K, E38K.
Identifiers: ClinVar variation 4691107 (VCV004691107.1).
Genomic context (GRCh38, chr21:32,604,250, plus strand): 5'-CCATGGGGTAAACAATCATCACCGCGCCTCGAAGCTGGTCCAAGGCATCTTTCACCATCT[C>T]CATGGTAACACAGACACCGGCTTCCACTTGTTTCTGCAAGCAGAAAGCCATCGTTATCTA-3'
Protein context (NP_067077.1, residues 127-147): QVEAGVCVTM[Glu137Lys]MVKDALDQLR